The following is an entry in ClinVar:

NM_022455.5(NSD1):c.3548_3549insG (p.Ser1183_Glu1184insTer)

Gene: NSD1 (nuclear receptor binding SET domain protein 1; plus strand). Cytogenetic location: 5q35.3.
Variant type: Insertion.
Coding change: c.3548_3549insG on transcript NM_022455.5 (MANE Select); coding-DNA positions 3548 to 3549, G inserted.
Protein change: p.Ser1183_Glu1184insTer.
Molecular consequence: frameshift variant. On other transcripts: nonsense (11).
Genome position: GRCh38 VCF-style: chr5-177211947-C-CG. GRCh37 (hg19) VCF-style: chr5-176638948-C-CG.
Other names: c.2675_2676insG, p.Glu893Terfs (NM_001365684.2, NM_001409306.1, NM_001409307.1 and 3 more transcripts); c.3548_3549insG, p.Glu1184Terfs (NM_001409301.1, NM_001409302.1, NM_001409303.1); c.3128_3129insG, p.Glu1044Terfs (NM_001409304.1); c.2795_2796insG, p.Glu933Terfs (NM_001409305.1).
Identifiers: ClinVar variation 546061 (VCV000546061.4), dbSNP rs878855075, ClinGen allele CA658822925.

ClinVar aggregate classification (germline): Pathogenic. Review status: criteria provided, single submitter (1 of 4 stars). 2 submissions from 2 submitters: Pathogenic (1). 1 of the submissions does not count toward it. Last evaluated 2018-05-08.

Conditions:
Sotos syndrome (SOTOS). Also called: Distinctive facial appearance, overgrowth in childhood, and learning disabilities or delayed development; CEREBRAL GIGANTISM; Sotos' syndrome; CHROMOSOME 5q35 DELETION SYNDROME; SOTOS SYNDROME 1. Identifiers: Orphanet 821, MedGen C0175695, MONDO:0019349, OMIM 117550.

Submissions (2):

GeneDx
Classification: Pathogenic. Last evaluated: 2018-05-08. Review status: criteria provided, single submitter. Criteria: GeneDx Variant Classification (06012015). Collection method: clinical testing. Allele origin: germline. Affected: yes.
Comment: The c.3548_3549insG variant in the NSD1 gene has not been reported previously as a pathogenic variant nor as a benign variant, to our knowledge. The c.3548_3549insG variant is not observed in large population cohorts (Lek et al., 2016). The c.3548_3549insG variant changes codon Glutamic acid 1184 to a premature stop codon, denoted p.Glu1184Ter. This variant is predicted to cause loss of normal protein function either through protein truncation or nonsense-mediated mRNA decay. We interpret c.3548_3549insG as a pathogenic variant

Centre de Biologie Pathologie Génétique, Centre Hospitalier Universitaire de Lille
Classification: Pathogenic for Sotos syndrome 1. Last evaluated: 2019-01-01. Review status: no assertion criteria provided. Collection method: clinical testing. Allele origin: de novo. Affected: yes. Not counted in ClinVar's aggregate classification.